The following is an entry in ClinVar:

NM_001349253.2(SCN11A):c.3340T>C (p.Phe1114Leu)

Gene: SCN11A (sodium voltage-gated channel alpha subunit 11; minus strand). Cytogenetic location: 3p22.2.
Variant type: single nucleotide variant.
Coding change: c.3340T>C on transcript NM_001349253.2 (MANE Select); coding-DNA position 3340, T replaced by C.
Protein change: p.Phe1114Leu; replaces phenylalanine 1114 with leucine.
Molecular consequence: missense variant.
Genome position (GRCh38, 1-based): chr3:38,880,003, A>G on the plus strand (T>C on the coding strand, the complement: SCN11A is on the minus strand). VCF-style: chr3-38880003-A-G. GRCh37 (hg19) VCF-style: chr3-38921494-A-G.
Other names: c.3340T>C (NM_014139.2); c.3340T>C, p.Phe1114Leu (NM_014139.3); short protein forms F1114L.
Identifiers: ClinVar variation 2146473 (VCV002146473.5), dbSNP rs774216505, ClinGen allele CA2321823.

ClinVar aggregate classification (germline): Uncertain significance. Review status: criteria provided, multiple submitters, no conflicts (2 of 4 stars). 2 submissions from 2 submitters: Uncertain significance (2). Last evaluated 2024-12-11.

Conditions:
Inborn genetic diseases. Identifiers: MedGen C0950123, MeSH D030342.
Hereditary sensory and autonomic neuropathy type 7. Also called: HSAN VII; Neuropathy, hereditary sensory and autonomic, type VII. Identifiers: Orphanet 391397, MedGen C3809882, MONDO:0014244, OMIM 615548.
Familial episodic pain syndrome with predominantly lower limb involvement. Also called: Episodic pain syndrome, familial, 3. Identifiers: Orphanet 391384, Orphanet 391392, MedGen C3809899, MONDO:0014247, OMIM 615552.

Allele frequency attached by ClinVar (database versions not stated): gnomAD exomes below 0.00001; ExAC 0.00001.
gnomAD v4.1: 3 of 1,613,088 alleles (0.00019%); highest among the groups gnomAD compares: South Asian, 0.0022%; no homozygotes.

Submissions (2):

Ambry Genetics
Classification: Uncertain significance for Inborn genetic diseases. Last evaluated: 2024-12-11. Review status: criteria provided, single submitter. Criteria: Ambry Variant Classification Scheme 2023. Collection method: clinical testing. Allele origin: germline.

Labcorp Genetics (formerly Invitae), Labcorp
Classification: Uncertain significance for Familial episodic pain syndrome with predominantly lower limb involvement; Hereditary sensory and autonomic neuropathy type 7. Last evaluated: 2023-01-25. Review status: criteria provided, single submitter. Criteria: Invitae Variant Classification Sherloc (09022015). Collection method: clinical testing. Allele origin: germline.
Comment: This variant has not been reported in the literature in individuals affected with SCN11A-related conditions. Advanced modeling of protein sequence and biophysical properties (such as structural, functional, and spatial information, amino acid conservation, physicochemical variation, residue mobility, and thermodynamic stability) performed at Invitae indicates that this missense variant is not expected to disrupt SCN11A protein function. In summary, the available evidence is currently insufficient to determine the role of this variant in disease. Therefore, it has been classified as a Variant of Uncertain Significance. This variant is present in population databases (rs774216505, gnomAD 0.003%). This sequence change replaces phenylalanine, which is neutral and non-polar, with leucine, which is neutral and non-polar, at codon 1114 of the SCN11A protein (p.Phe1114Leu).